The following is an entry in ClinVar:

ClinVar aggregate classification (germline): Benign/Likely benign. Review status: criteria provided, multiple submitters, no conflicts (2 of 4 stars). 2 submissions from 2 submitters: Benign (1); Likely benign (1). Last evaluated 2017-06-19.

Conditions:
Wolfram syndrome 1 (WFS1). Identifiers: Orphanet 3463, MedGen C4551693, MONDO:0009101, OMIM 222300.

Allele frequency attached by ClinVar (database versions not stated): gnomAD exomes below 0.00001; ExAC 0.00001.
gnomAD v4.1: 2 of 1,611,462 alleles (0.00012%); highest among the groups gnomAD compares: Admixed American, 0.0017%; no homozygotes.

Submissions (2):

GeneDx
Classification: Likely benign. Last evaluated: 2017-06-19. Review status: criteria provided, single submitter. Criteria: GeneDx Variant Classification (06012015). Collection method: clinical testing. Allele origin: germline. Affected: yes.
Comment: This variant is considered likely benign or benign based on one or more of the following criteria: it is a conservative change, it occurs at a poorly conserved position in the protein, it is predicted to be benign by multiple in silico algorithms, and/or has population frequency not consistent with disease.

Clinical Genomics, Uppaluri K&H Personalized Medicine Clinic
Classification: Benign for Wolfram syndrome 1. Review status: criteria provided, single submitter. Criteria: K & H Uppaluri Personalized Medicine Clinic Variant Classification & Assertion Criteria_Updated V.1. Collection method: research. Allele origin: unknown. Inheritance: Autosomal recessive inheritance.
Comment: Potent mutations in WFS1 gene are associated with Wolfram's syndrome, an autosomal recessive condition, which cause diabetes mellitus, diabetes insipidus, deafness and optic atrophy. However no sufficient evidence is found to ascertain the role of this particular variant rs771363371 in Wolfram's syndrome yet.

Literature cited by the submitters: PubMed 20738327 (cited by Clinical Genomics, Uppaluri K&H Personalized Medicine Clinic); PubMed 33879153 (cited by Clinical Genomics, Uppaluri K&H Personalized Medicine Clinic); PubMed 12955714 (cited by Clinical Genomics, Uppaluri K&H Personalized Medicine Clinic); PubMed 18060660 (cited by Clinical Genomics, Uppaluri K&H Personalized Medicine Clinic); PubMed 20301750 (cited by Clinical Genomics, Uppaluri K&H Personalized Medicine Clinic); PubMed 17603484 (cited by Clinical Genomics, Uppaluri K&H Personalized Medicine Clinic).

NM_006005.3(WFS1):c.1461C>T (p.Thr487=)

Gene: WFS1 (wolframin ER transmembrane glycoprotein; plus strand). Cytogenetic location: 4p16.1.
Variant type: single nucleotide variant.
Coding change: c.1461C>T on transcript NM_006005.3 (MANE Select); coding-DNA position 1461, C replaced by T.
Protein change: p.Thr487=; no amino-acid change (threonine 487 retained).
Molecular consequence: synonymous variant.
Genome position (GRCh38, 1-based): chr4:6,301,256, C>T. VCF-style: chr4-6301256-C-T. GRCh37 (hg19) VCF-style: chr4-6302983-C-T.
Other names: c.1461C>T, p.Thr487= (NM_001145853.1).
Identifiers: ClinVar variation 510086 (VCV000510086.2), dbSNP rs771363371, ClinGen allele CA2839362.
Genomic context (GRCh38, chr4:6,301,256, plus strand): 5'-GCTATCGCTGCTGCCCTCCATGCCCTTGAATTGGCCCTACCTGAAGGTCCTTGGCCAGAC[C>T]TTCATCACCGTGCCTGTCGGCCACCTGGTCGTCCTCAACGTCAGCGTCCCGTGCCTGCTC-3'
Protein context (NP_005996.2, residues 477-497): NWPYLKVLGQ[Thr487=]FITVPVGHLV